The following is an entry in ClinVar:

ClinVar aggregate classification (germline): Conflicting classifications of pathogenicity. Review status: criteria provided, conflicting classifications (1 of 4 stars). 3 submissions from 3 submitters: Uncertain significance (2); Likely benign (1). Last evaluated 2025-01-21.

Conditions:
Duane-radial ray syndrome (DRRS). Also called: ACRORENOOCULAR SYNDROME; DR SYNDROME; DUANE ANOMALY WITH RADIAL RAY ABNORMALITIES AND DEAFNESS; Duane-Radial Ray Syndrome (DRRS) / Okihiro Syndrome; Okihiro Syndrome; Duane-Radial Ray Syndrome/Okihiro Syndrome. Identifiers: Orphanet 93293, Orphanet 959, MedGen C1623209, MONDO:0011812, OMIM 607323. Disease mechanism: gain of function.
Oculootoradial syndrome (IVIC). Also called: RADIAL RAY DEFECTS, HEARING IMPAIRMENT, EXTERNAL OPHTHALMOPLEGIA, AND THROMBOCYTOPENIA; IVIC syndrome. Identifiers: Orphanet 2307, MedGen C1327918, MONDO:0007836, OMIM 147750.

Submissions (3):

Labcorp Genetics (formerly Invitae), Labcorp
Classification: Uncertain significance for Duane-radial ray syndrome. Last evaluated: 2025-01-21. Review status: criteria provided, single submitter. Criteria: Invitae Variant Classification Sherloc (09022015). Collection method: clinical testing. Allele origin: germline.
Comment: This variant, c.48_50dup, results in the insertion of 1 amino acid(s) of the SALL4 protein (p.Glu16dup), but otherwise preserves the integrity of the reading frame. This variant is present in population databases (rs775806857, gnomAD 0.01%). This variant has not been reported in the literature in individuals affected with SALL4-related conditions. Experimental studies and prediction algorithms are not available or were not evaluated, and the functional significance of this variant is currently unknown. In summary, the available evidence is currently insufficient to determine the role of this variant in disease. Therefore, it has been classified as a Variant of Uncertain Significance.

Blueprint Genetics
Classification: Likely benign. Last evaluated: 2024-11-27. Review status: criteria provided, single submitter. Criteria: ACMG Guidelines, 2015. Collection method: clinical testing. Allele origin: germline.

Department of Pathology and Laboratory Medicine, Sinai Health System
Classification: Uncertain significance for Oculootoradial syndrome; Duane-radial ray syndrome. Last evaluated: 2021-08-20. Review status: criteria provided, single submitter. Criteria: ACMG Guidelines, 2015. Collection method: research. Allele origin: germline.

NM_020436.5(SALL4):c.42GGA[4] (p.Glu16_Asp17insGlu)

Gene: SALL4 (spalt like transcription factor 4; minus strand). Cytogenetic location: 20q13.2.
Variant type: Microsatellite.
Coding change: c.42GGA[4] on transcript NM_020436.5 (MANE Select); four copies in a row of the 3-base unit GGA starting at c.42; the reference has three copies in a row; one copy, 3 bases duplicated.
Protein change: p.Glu16_Asp17insGlu.
Molecular consequence: inframe insertion.
Genome position (GRCh38, 1-based): chr20:51,802,359-51,802,361, TCC duplicated on the plus strand (GGA on the coding strand, the reverse complement: SALL4 is on the minus strand); duplicating any 3 consecutive bases within chr20:51,802,359-51,802,367 gives the same sequence; the position shown is the placement nearest the transcript's 3' end. VCF-style (leftmost placement, unchanged base first): chr20-51802358-G-GTCC. GRCh37 (hg19) VCF-style: chr20-50418897-G-GTCC.
Other names: c.42GGA[4], p.Glu16_Asp17insGlu (NM_001318031.2).
Identifiers: ClinVar variation 2995950 (VCV002995950.5), dbSNP rs775806857, ClinGen allele CA9912568.